The following is an entry in ClinVar:

NM_014244.5(ADAMTS2):c.1951+296del

Gene: ADAMTS2 (ADAM metallopeptidase with thrombospondin type 1 motif 2; minus strand). Cytogenetic location: 5q35.3.
Variant type: Deletion.
Coding change: c.1951+296del on transcript NM_014244.5 (MANE Select); 296 bases into the intron after coding-DNA position 1951, one base deleted (G; older notation c.1951+296delG).
Molecular consequence: intron variant.
Genome position (GRCh38, 1-based): chr5:179,137,473, C deleted on the plus strand (G on the coding strand, the reverse complement: ADAMTS2 is on the minus strand); the first of 2 consecutive C bases (chr5:179,137,473-179,137,474); deleting either gives the same sequence. VCF-style (leftmost placement, unchanged base first): chr5-179137472-TC-T. GRCh37 (hg19) VCF-style: chr5-178564473-TC-T.
Identifiers: ClinVar variation 671199 (VCV000671199.1), dbSNP rs200252828, ClinGen allele CA133038466.

ClinVar aggregate classification (germline): Benign (1 of 4 stars; one submission).

Submission:

GeneDx
Classification: Benign. Last evaluated: 2018-06-16. Review status: criteria provided, single submitter. Criteria: GeneDx Variant Classification (06012015). Collection method: clinical testing. Allele origin: germline. Affected: yes.
Comment: This variant is considered likely benign or benign based on one or more of the following criteria: it is a conservative change, it occurs at a poorly conserved position in the protein, it is predicted to be benign by multiple in silico algorithms, and/or has population frequency not consistent with disease.